The following is an entry in ClinVar:

ClinVar aggregate classification (germline): Uncertain significance. Review status: criteria provided, multiple submitters, no conflicts (2 of 4 stars). 2 submissions from 2 submitters: Uncertain significance (2). Last evaluated 2025-08-11.

Conditions:
Hypertrophic cardiomyopathy. Also called: HYPERTROPHIC MYOCARDIOPATHY. Identifiers: Orphanet 217569, MedGen C0007194, MeSH D002312, MONDO:0005045, HP:0001639.

Allele frequency attached by ClinVar (database versions not stated): gnomAD exomes below 0.00001; gnomAD 0.00001; TOPMed 0.00002.
gnomAD v4.1: 2 of 1,562,236 alleles (0.00013%); highest among the groups gnomAD compares: African/African-American, 0.0027%; no homozygotes.

Submissions (2):

Labcorp Genetics (formerly Invitae), Labcorp
Classification: Uncertain significance for Hypertrophic cardiomyopathy. Last evaluated: 2025-08-11. Review status: criteria provided, single submitter. Criteria: Invitae Variant Classification Sherloc (09022015). Collection method: clinical testing. Allele origin: germline.
Comment: This sequence change falls in intron 3 of the TNNI3 gene. It does not directly change the encoded amino acid sequence of the TNNI3 protein. This variant is not present in population databases (gnomAD no frequency). This variant has not been reported in the literature in individuals affected with TNNI3-related conditions. ClinVar contains an entry for this variant (Variation ID: 3072988). Algorithms developed to predict the effect of sequence changes on RNA splicing suggest that this variant may disrupt the consensus splice site. In summary, the available evidence is currently insufficient to determine the role of this variant in disease. Therefore, it has been classified as a Variant of Uncertain Significance.

All of Us Research Program, National Institutes of Health
Classification: Uncertain significance for Hypertrophic cardiomyopathy. Last evaluated: 2023-08-15. Review status: criteria provided, single submitter. Criteria: ACMG Guidelines, 2015. Collection method: clinical testing. Allele origin: germline. Inheritance: Autosomal dominant inheritance. Observed: 1 variant allele, 1 heterozygote.
Comment: This variant causes a T to A nucleotide substitution at the -14 position of intron 3 of the TNNI3 gene. To our knowledge, functional studies have not been reported for this variant. This variant has not been reported in individuals affected with TNNI3-related disorders in the literature. This variant has not been identified in the general population by the Genome Aggregation Database (gnomAD). The available evidence is insufficient to determine the role of this variant in disease conclusively. Therefore, this variant is classified as a Variant of Uncertain Significance.

This study involves interpretation of variants in research participants for the purpose of population health screening. Participant phenotype was not available at the time of variant classification. Additional details can be found in publication PMID: 35346344, PMCID: PMC8962531

NM_000363.5(TNNI3):c.109-14T>A

Gene: TNNI3 (troponin I3, cardiac type; minus strand). Cytogenetic location: 19q13.42.
Variant type: single nucleotide variant.
Coding change: c.109-14T>A on transcript NM_000363.5 (MANE Select); 14 bases into the intron before coding-DNA position 109, T replaced by A.
Molecular consequence: intron variant.
Genome position (GRCh38, 1-based): chr19:55,156,658, A>T on the plus strand (T>A on the coding strand, the complement: TNNI3 is on the minus strand). VCF-style: chr19-55156658-A-T. GRCh37 (hg19) VCF-style: chr19-55668026-A-T.
Identifiers: ClinVar variation 3072988 (VCV003072988.2), dbSNP rs1181801707, ClinGen allele CA407442602.
Genomic context (GRCh38, chr19:55,156,658, plus strand): 5'-CTCACCTTCAGCTGCAATTTTCTCGAGGCGGAGATCTTAGATTTTTTCTGCCAGGGTGAG[A>T]TGGAGCAAGGAAGGATCATGGAGGGGGATTCGGAGACGACGGTGGAGGGGACCTCAAGAC-3'